The following is an entry in ClinVar:

NM_007194.4(CHEK2):c.1197dup (p.Gly400fs)

Gene: CHEK2 (checkpoint kinase 2; minus strand). Cytogenetic location: 22q12.1.
Variant type: Duplication.
Coding change: c.1197dup on transcript NM_007194.4 (MANE Select); coding-DNA position 1197, one base duplicated (T; older notation c.1197dupT).
Protein change: p.Gly400fs; shifts the reading frame from glycine 400.
Molecular consequence: frameshift variant.
Genome position (GRCh38, 1-based): chr22:28,695,772, A duplicated on the plus strand (T on the coding strand, the reverse complement: CHEK2 is on the minus strand); the first of 2 consecutive A bases (chr22:28,695,772-28,695,773); duplicating either gives the same sequence. VCF-style (leftmost placement, unchanged base first): chr22-28695771-C-CA. GRCh37 (hg19) VCF-style: chr22-29091759-C-CA.
Other names: c.1197dupT (NM_007194.3); c.1325dup, p.Gly443Trpfs (NM_001005735.3); c.533dup, p.Gly179Trpfs (NM_001257387.3); c.995dup, p.Gly333Trpfs (NM_001349956.3); c.1109dup, p.Gly371Trpfs (NM_145862.3); short protein forms G179fs, G333fs, G371fs, G400fs, G443fs.
Identifiers: ClinVar variation 479562 (VCV000479562.8), dbSNP rs876658302, ClinGen allele CA638954334.

ClinVar aggregate classification (germline): Pathogenic. Review status: criteria provided, multiple submitters, no conflicts (2 of 4 stars). 2 submissions from 2 submitters: Pathogenic (2). Last evaluated 2024-06-11.

Conditions:
Familial cancer of breast. Also called: BREAST CANCER, FAMILIAL; Hereditary breast cancer; hereditary breast carcinoma. Identifiers: Orphanet 227535, MedGen C0346153, MONDO:0016419, OMIM 114480. Disease mechanism: loss of function.
Hereditary cancer-predisposing syndrome. Also called: Hereditary Cancer Syndrome; Neoplastic Syndromes, Hereditary; Tumor predisposition; Hereditary neoplastic syndrome. Identifiers: Orphanet 140162, MedGen C0027672, MeSH D009386, MONDO:0015356.

Submissions (2):

Ambry Genetics
Classification: Pathogenic for Hereditary cancer-predisposing syndrome. Last evaluated: 2024-06-11. Review status: criteria provided, single submitter. Criteria: Ambry Variant Classification Scheme 2023. Collection method: clinical testing. Allele origin: germline.
Comment: The c.1197dupT pathogenic mutation, located in coding exon 10 of the CHEK2 gene, results from a duplication of T at nucleotide position 1197, causing a translational frameshift with a predicted alternate stop codon (p.G400Wfs*6). This variant is considered to be rare based on population cohorts in the Genome Aggregation Database (gnomAD). This alteration is expected to result in loss of function by premature protein truncation or nonsense-mediated mRNA decay. As such, this alteration is interpreted as a disease-causing mutation.

Myriad Genetics, Inc.
Classification: Pathogenic for Familial cancer of breast. Last evaluated: 2023-06-28. Review status: criteria provided, single submitter. Criteria: Myriad Autosomal Dominant, Autosomal Recessive and X-Linked Classification Criteria (2023). Collection method: clinical testing. Allele origin: unknown.
Comment: This variant is considered pathogenic. This variant creates a frameshift predicted to result in premature protein truncation.